The following is an entry in ClinVar:

NM_144997.7(FLCN):c.810del (p.Glu271fs)

Gene: FLCN (folliculin; minus strand). Cytogenetic location: 17p11.2.
Variant type: Deletion.
Coding change: c.810del on transcript NM_144997.7 (MANE Select); coding-DNA position 810, one base deleted (C; older notation c.810delC).
Protein change: p.Glu271fs; shifts the reading frame from glutamic acid 271.
Molecular consequence: frameshift variant.
Genome position (GRCh38, 1-based): chr17:17,221,598, G deleted on the plus strand (C on the coding strand, the reverse complement: FLCN is on the minus strand); the first of 2 consecutive G bases (chr17:17,221,598-17,221,599); deleting either gives the same sequence. VCF-style (leftmost placement, unchanged base first): chr17-17221597-CG-C. GRCh37 (hg19) VCF-style: chr17-17124911-CG-C.
Other names: c.810del, p.Glu271fs (NM_144606.7, NM_001353230.2, NM_001353231.2); c.864del, p.Glu289fs (NM_001353229.2); short protein forms E289fs, E271fs.
Identifiers: ClinVar variation 1361458 (VCV001361458.6), dbSNP rs2144933364, ClinGen allele CA2573153099.

ClinVar aggregate classification (germline): Pathogenic (1 of 4 stars; one submission).

Conditions:
Birt-Hogg-Dube syndrome. Also called: Birt Hogg Dubé syndrome. Identifiers: Orphanet 122, MedGen C0346010, MONDO:0800444.

Submission:

Labcorp Genetics (formerly Invitae), Labcorp
Classification: Pathogenic for Birt-Hogg-Dube syndrome. Last evaluated: 2024-07-03. Review status: criteria provided, single submitter. Criteria: Invitae Variant Classification Sherloc (09022015). Collection method: clinical testing. Allele origin: germline.
Comment: This sequence change creates a premature translational stop signal (p.Glu271Argfs*22) in the FLCN gene. It is expected to result in an absent or disrupted protein product. Loss-of-function variants in FLCN are known to be pathogenic (PMID: 15852235). This variant is not present in population databases (gnomAD no frequency). This variant has not been reported in the literature in individuals affected with FLCN-related conditions. ClinVar contains an entry for this variant (Variation ID: 1361458). For these reasons, this variant has been classified as Pathogenic.

Literature cited by the submitters: PubMed 15852235.